The following is an entry in ClinVar:

NM_001330260.2(SCN8A):c.971G>A (p.Cys324Tyr)

Gene: SCN8A (sodium voltage-gated channel alpha subunit 8; plus strand). Cytogenetic location: 12q13.13.
Variant type: single nucleotide variant.
Coding change: c.971G>A on transcript NM_001330260.2 (MANE Select); coding-DNA position 971, G replaced by A.
Protein change: p.Cys324Tyr; replaces cysteine 324 with tyrosine.
Molecular consequence: missense variant.
Genome position (GRCh38, 1-based): chr12:51,701,186, G>A. VCF-style: chr12-51701186-G-A. GRCh37 (hg19) VCF-style: chr12-52094970-G-A.
Other names: p.Cys324Tyr; c.971G>A, p.Cys324Tyr (NM_001177984.3, NM_001369788.1, NM_014191.4); short protein forms C324Y.
Identifiers: ClinVar variation 1699202 (VCV001699202.5), dbSNP rs2138739035, ClinGen allele CA385226962.

ClinVar aggregate classification (germline): Pathogenic/Likely pathogenic. Review status: criteria provided, multiple submitters, no conflicts (2 of 4 stars). 2 submissions from 2 submitters: Pathogenic (1); Likely pathogenic (1). Last evaluated 2023-08-30.

Conditions:
Developmental and epileptic encephalopathy, 13 (DEE13). Also called: Early infantile epileptic encephalopathy 13; Developmental and Epileptic Encephalopathy (SCN8A-DEE); SCN8A-Related Epilepsy. Identifiers: Orphanet 442835, MedGen C3281191, MONDO:0013801, OMIM 614558.
Cognitive impairment with or without cerebellar ataxia (CIAT). Identifiers: MedGen C3280415, MONDO:0013680, OMIM 614306.

Submissions (2):

University of British Columbia, BC Children's Hospital
Classification: Pathogenic for Cognitive impairment with or without cerebellar ataxia. Last evaluated: 2023-08-30. Review status: criteria provided, single submitter. Criteria: ACMG Guidelines, 2015. Collection method: research. Allele origin: germline. Affected: yes.

Victorian Clinical Genetics Services, Murdoch Childrens Research Institute
Classification: Likely pathogenic for Developmental and epileptic encephalopathy, 13. Last evaluated: 2023-07-16. Review status: criteria provided, single submitter. Criteria: ACMG Guidelines, 2015. Collection method: clinical testing. Allele origin: germline. Inheritance: Autosomal dominant inheritance. Affected: yes.
Comment: Based on the classification scheme VCGS_Germline_v1.3.4, this variant is classified as Likely pathogenic. Following criteria are met: 0103 - Loss of function and gain of function are known mechanisms of disease in this gene, and are associated with cognitive impairment with or without cerebellar ataxia (MIM#614306), and developmental and epileptic encephalopathy 13 (MIM#614558), respectively. In addition, gain of function is speculated for benign familial infantile seizures, 5 (MIM#617080) (PMID: 31904124, OMIM). (I) 0107 - This gene is associated with autosomal dominant disease. (I) 0200 - Variant is predicted to result in a missense amino acid change from cysteine to tyrosine. (I) 0251 - This variant is heterozygous. (I) 0301 - Variant is absent from gnomAD (both v2 and v3). (SP) 0501 - Missense variant consistently predicted to be damaging by multiple in silico tools or highly conserved with a major amino acid change. (SP) 0603 - Missense variant in a region that is highly intolerant to missense variation (high constraint region in DECIPHER). (SP) 0705 - No comparable missense variants have previous evidence for pathogenicity. (I) 0802 - This variant has moderate previous evidence of pathogenicity in an unrelated individual. This variant has been reported de novo in an individual with early infantile epileptic encephalopathy (PMID: 35599849). (SP) 0905 - No published segregation evidence has been identified for this variant. (I) 1007 - No published functional evidence has been identified for this variant. (I) 1207 - Parental origin of the variant is unresolved. (I) Legend: (SP) - Supporting pathogenic, (I) - Information, (SB) - Supporting benign

Literature cited by the submitters: PubMed 32845893 (cited by University of British Columbia, BC Children's Hospital); PubMed 31904124 (cited by Victorian Clinical Genetics Services, Murdoch Childrens Research Institute); PubMed 35599849 (cited by Victorian Clinical Genetics Services, Murdoch Childrens Research Institute).